The following is an entry in ClinVar:

NM_001080414.4(CCDC88C):c.5385del (p.Ser1796fs)

Gene: CCDC88C (coiled-coil and HOOK domain protein 88C; minus strand). Cytogenetic location: 14q32.11.
Variant type: Deletion.
Coding change: c.5385del on transcript NM_001080414.4 (MANE Select); coding-DNA position 5385, one base deleted (C; older notation c.5385delC).
Protein change: p.Ser1796fs; shifts the reading frame from serine 1796.
Molecular consequence: frameshift variant.
Genome position (GRCh38, 1-based): chr14:91,273,327, G deleted on the plus strand (C on the coding strand, the reverse complement: CCDC88C is on the minus strand); the first of 2 consecutive G bases (chr14:91,273,327-91,273,328); deleting either gives the same sequence. VCF-style (leftmost placement, unchanged base first): chr14-91273326-TG-T. GRCh37 (hg19) VCF-style: chr14-91739670-TG-T.
Other names: short protein forms S1796fs.
Identifiers: ClinVar variation 2702446 (VCV002702446.3), dbSNP rs2544240114, ClinGen allele CA2575602969.

ClinVar aggregate classification (germline): Pathogenic (1 of 4 stars; one submission).

Submission:

Labcorp Genetics (formerly Invitae), Labcorp
Classification: Pathogenic. Last evaluated: 2023-12-12. Review status: criteria provided, single submitter. Criteria: Invitae Variant Classification Sherloc (09022015). Collection method: clinical testing. Allele origin: germline.
Comment: This sequence change creates a premature translational stop signal (p.Ser1796Alafs*6) in the CCDC88C gene. While this is not anticipated to result in nonsense mediated decay, it is expected to disrupt the last 233 amino acid(s) of the CCDC88C protein. This variant is not present in population databases (gnomAD no frequency). This variant has not been reported in the literature in individuals affected with CCDC88C-related conditions. This variant disrupts a region of the CCDC88C protein in which other variant(s) (p.Glu1949Glyfs*26) have been determined to be pathogenic (PMID: 23042809). This suggests that this is a clinically significant region of the protein, and that variants that disrupt it are likely to be disease-causing. For these reasons, this variant has been classified as Pathogenic.

Literature cited by the submitters: PubMed 23042809.